The following is an entry in ClinVar:

NM_001958.5(EEF1A2):c.594_596del (p.Asp199del)

Gene: EEF1A2 (eukaryotic translation elongation factor 1 alpha 2; minus strand). Cytogenetic location: 20q13.33.
Variant type: Deletion.
Coding change: c.594_596del on transcript NM_001958.5 (MANE Select); coding-DNA positions 594 to 596, 3 bases deleted (TGA; older notation c.594_596delTGA).
Protein change: p.Asp199del; deletes aspartic acid 199.
Molecular consequence: inframe deletion.
Genome position (GRCh38, 1-based): chr20:63,494,830-63,494,832, TCA deleted on the plus strand (TGA on the coding strand, the reverse complement: EEF1A2 is on the minus strand). VCF-style (leftmost placement, unchanged base first): chr20-63494829-GTCA-G. GRCh37 (hg19) VCF-style: chr20-62126182-GTCA-G.
Other names: short protein forms D199del.
Identifiers: ClinVar variation 4725594 (VCV004725594.1).

ClinVar aggregate classification (germline): Uncertain significance (1 of 4 stars; one submission).

Conditions:
Developmental and epileptic encephalopathy, 33 (DEE33). Also called: Epileptic encephalopathy, early infantile, 33. Identifiers: Orphanet 442835, MedGen C4225337, MONDO:0014625, OMIM 616409.

Submission:

Labcorp Genetics (formerly Invitae), Labcorp
Classification: Uncertain significance for Developmental and epileptic encephalopathy, 33. Last evaluated: 2025-08-18. Review status: criteria provided, single submitter. Criteria: Invitae Variant Classification Sherloc (09022015). Collection method: clinical testing. Allele origin: germline.
Comment: This variant, c.594_596del, results in the deletion of 1 amino acid(s) of the EEF1A2 protein (p.Asp199del), but otherwise preserves the integrity of the reading frame. This variant is not present in population databases (gnomAD no frequency). This variant has not been reported in the literature in individuals affected with EEF1A2-related conditions. Experimental studies and prediction algorithms are not available or were not evaluated, and the functional significance of this variant is currently unknown. In summary, the available evidence is currently insufficient to determine the role of this variant in disease. Therefore, it has been classified as a Variant of Uncertain Significance.